The following is an entry in ClinVar:

ClinVar aggregate classification (germline): Uncertain significance. Review status: criteria provided, multiple submitters, no conflicts (2 of 4 stars). 3 submissions from 3 submitters: Uncertain significance (3). Last evaluated 2022-12-18.

Conditions:
Long QT syndrome (LQTS). Identifiers: MedGen C0023976, MeSH D008133, MONDO:0002442. Disease mechanism: loss of function. Inheritance: Various modes of inheritance.

Allele frequency attached by ClinVar (database versions not stated): gnomAD exomes below 0.00001.
gnomAD v4.1: 1 of 1,614,166 alleles (0.000062%); highest among the groups gnomAD compares: Non-Finnish European, 0.000085%; no homozygotes.

Submissions (3):

Labcorp Genetics (formerly Invitae), Labcorp
Classification: Uncertain significance for Long QT syndrome. Last evaluated: 2022-12-18. Review status: criteria provided, single submitter. Criteria: Invitae Variant Classification Sherloc (09022015). Collection method: clinical testing. Allele origin: germline.
Comment: This sequence change replaces glycine, which is neutral and non-polar, with aspartic acid, which is acidic and polar, at codon 89 of the CAV3 protein (p.Gly89Asp). This variant is not present in population databases (gnomAD no frequency). This variant has not been reported in the literature in individuals affected with CAV3-related conditions. ClinVar contains an entry for this variant (Variation ID: 804667). Algorithms developed to predict the effect of missense changes on protein structure and function (SIFT, PolyPhen-2, Align-GVGD) all suggest that this variant is likely to be disruptive. In summary, the available evidence is currently insufficient to determine the role of this variant in disease. Therefore, it has been classified as a Variant of Uncertain Significance.

AiLife Diagnostics
Classification: Uncertain significance. Last evaluated: 2022-02-01. Review status: criteria provided, single submitter. Criteria: ACMG Guidelines, 2015. Collection method: clinical testing. Allele origin: germline. Affected: yes. Observed: 1 variant allele.

Athena Diagnostics
Classification: Uncertain significance. Last evaluated: 2018-10-26. Review status: criteria provided, single submitter. Criteria: Athena Diagnostics Criteria. Collection method: clinical testing. Allele origin: germline.

NM_033337.3(CAV3):c.266G>A (p.Gly89Asp)

Genes: CAV3 (caveolin 3; plus strand), OXTR (oxytocin receptor; minus strand). Cytogenetic location: 3p25.3.
Variant type: single nucleotide variant.
Coding change: c.266G>A on transcript NM_033337.3 (MANE Select); coding-DNA position 266, G replaced by A.
Protein change: p.Gly89Asp; replaces glycine 89 with aspartic acid.
Molecular consequence: missense variant.
Genome position (GRCh38, 1-based): chr3:8,745,677, G>A. VCF-style: chr3-8745677-G-A. GRCh37 (hg19) VCF-style: chr3-8787363-G-A.
Other names: c.266G>A, p.Gly89Asp (NM_001234.5); short protein forms G89D.
Identifiers: ClinVar variation 804667 (VCV000804667.7), dbSNP rs1575477762, ClinGen allele CA351663399.
Genomic context (GRCh38, chr3:8,745,677, plus strand): 5'-AGTACTGGTGCTACCGTCTGTTGTCCACGCTGCTGGGCGTCCCACTGGCCCTGCTCTGGG[G>A]CTTCCTGTTCGCCTGCATCTCCTTCTGCCACATCTGGGCGGTGGTGCCATGCATTAAGAG-3'
Protein context (NP_203123.1, residues 79-99): LLGVPLALLW[Gly89Asp]FLFACISFCH